The following is an entry in ClinVar:

ClinVar aggregate classification (germline): Benign/Likely benign. Review status: criteria provided, multiple submitters, no conflicts (2 of 4 stars). 6 submissions from 6 submitters: Benign (3); Likely benign (3). Last evaluated 2026-02-01.

Conditions:
Congenital generalized lipodystrophy type 1 (CGL1). Also called: Berardinelli-Seip Congenital Lipodystrophy Type 1; BRUNZELL SYNDROME, AGPAT2-RELATED. Identifiers: Orphanet 528, Orphanet 696189, MedGen C1720862, MONDO:0012071, OMIM 608594.

Allele frequency attached by ClinVar (database versions not stated): ExAC 0.00427; gnomAD 0.01307 and 0.01383; 1000 Genomes Project 0.01438; ESP Exome Variant Server 0.01453; TOPMed 0.01470; 1000 Genomes Project 30x 0.01515.
gnomAD v4.1: 4,443 of 1,613,124 alleles (0.28%); highest among the groups gnomAD compares: African/African-American, 4.5%; 95 homozygotes.

Submissions (6):

Labcorp Genetics (formerly Invitae), Labcorp
Classification: Benign. Last evaluated: 2026-02-01. Review status: criteria provided, single submitter. Criteria: Invitae Variant Classification Sherloc (09022015). Collection method: clinical testing. Allele origin: germline.

Mayo Clinic Laboratories, Mayo Clinic
Classification: Benign. Last evaluated: 2022-06-02. Review status: criteria provided, single submitter. Criteria: ACMG Guidelines, 2015. Collection method: clinical testing. Allele origin: germline. Observed: 10 variant alleles.
Comment: BA1, BP4, BP7

Fulgent Genetics
Classification: Likely benign for Congenital generalized lipodystrophy type 1. Last evaluated: 2022-01-25. Review status: criteria provided, single submitter. Criteria: ACMG Guidelines, 2015. Collection method: clinical testing. Allele origin: unknown.

Illumina Laboratory Services, Illumina
Classification: Likely benign for Congenital generalized lipodystrophy type 1. Last evaluated: 2017-04-27. Review status: criteria provided, single submitter. Criteria: ICSL Variant Classification Criteria 13 December 2019. Collection method: clinical testing. Allele origin: germline.
Comment: This variant was observed as part of a predisposition screen in an ostensibly healthy population. A literature search was performed for the gene, cDNA change, and amino acid change (where applicable). No publications were found based on this search. Allele frequency data from public databases allowed determination this variant is unlikely to cause disease. Therefore, this variant is classified as likely benign.

Breakthrough Genomics
Classification: Likely benign. Review status: criteria provided, single submitter. Criteria: ACMG Guidelines, 2015. Collection method: not provided. Allele origin: germline. Inheritance: Autosomal recessive inheritance. Affected: yes.

PreventionGenetics, part of Exact Sciences
Classification: Benign. Review status: criteria provided, single submitter. Criteria: ACMG Guidelines, 2015. Collection method: clinical testing. Allele origin: germline.

NM_006412.4(AGPAT2):c.345C>T (p.Cys115=)

Gene: AGPAT2 (1-acylglycerol-3-phosphate O-acyltransferase 2; minus strand). Cytogenetic location: 9q34.3.
Variant type: single nucleotide variant.
Coding change: c.345C>T on transcript NM_006412.4 (MANE Select); coding-DNA position 345, C replaced by T.
Protein change: p.Cys115=; no amino-acid change (cysteine 115 retained).
Molecular consequence: synonymous variant.
Genome position (GRCh38, 1-based): chr9:136,677,108, G>A on the plus strand (C>T on the coding strand, the complement: AGPAT2 is on the minus strand). VCF-style: chr9-136677108-G-A. GRCh37 (hg19) VCF-style: chr9-139571560-G-A.
Other names: p.Cys115=; c.345C>T, p.Cys115= (NM_001012727.2).
Identifiers: ClinVar variation 259976 (VCV000259976.17), dbSNP rs73668354, ClinGen allele CA5343040.